The following is an entry in ClinVar:

NM_015295.3(SMCHD1):c.3716G>A (p.Arg1239His)

Gene: SMCHD1 (structural maintenance of chromosomes flexible hinge domain containing 1; plus strand). Cytogenetic location: 18p11.32.
Variant type: single nucleotide variant.
Coding change: c.3716G>A on transcript NM_015295.3 (MANE Select); coding-DNA position 3716, G replaced by A.
Protein change: p.Arg1239His; replaces arginine 1239 with histidine.
Molecular consequence: missense variant.
Genome position (GRCh38, 1-based): chr18:2,743,843, G>A. VCF-style: chr18-2743843-G-A. GRCh37 (hg19) VCF-style: chr18-2743841-G-A.
Other names: short protein forms R1239H.
Identifiers: ClinVar variation 836362 (VCV000836362.10), dbSNP rs750301200, ClinGen allele CA8871284.

ClinVar aggregate classification (germline): Conflicting classifications of pathogenicity. Review status: criteria provided, conflicting classifications (1 of 4 stars). 2 submissions from 2 submitters: Uncertain significance (1); Likely benign (1). Last evaluated 2025-04-01.

Conditions:
Inborn genetic diseases. Identifiers: MedGen C0950123, MeSH D030342.
Facioscapulohumeral muscular dystrophy 2 (FSHD2). Also called: MUSCULAR DYSTROPHY, FACIOSCAPULOHUMERAL, TYPE 1B; FACIOSCAPULOHUMERAL MUSCULAR DYSTROPHY 2, DIGENIC; FSHD2, DIGENIC. Identifiers: Orphanet 269, MedGen C1834671, MONDO:0008031, OMIM 158901.

Allele frequency attached by ClinVar (database versions not stated): ExAC 0.00002; gnomAD exomes 0.00002; gnomAD 0.00004; TOPMed 0.00007.
gnomAD v4.1: 26 of 1,612,970 alleles (0.0016%); highest among the groups gnomAD compares: African/African-American, 0.012%; no homozygotes.

Submissions (2):

Ambry Genetics
Classification: Likely benign for Inborn genetic diseases. Last evaluated: 2025-04-01. Review status: criteria provided, single submitter. Criteria: Ambry Variant Classification Scheme 2023. Collection method: clinical testing. Allele origin: germline.

Labcorp Genetics (formerly Invitae), Labcorp
Classification: Uncertain significance for Facioscapulohumeral muscular dystrophy 2. Last evaluated: 2024-03-26. Review status: criteria provided, single submitter. Criteria: Invitae Variant Classification Sherloc (09022015). Collection method: clinical testing. Allele origin: germline.
Comment: This sequence change replaces arginine, which is basic and polar, with histidine, which is basic and polar, at codon 1239 of the SMCHD1 protein (p.Arg1239His). This variant is present in population databases (rs750301200, gnomAD 0.01%). This variant has not been reported in the literature in individuals affected with SMCHD1-related conditions. ClinVar contains an entry for this variant (Variation ID: 836362). Advanced modeling of protein sequence and biophysical properties (such as structural, functional, and spatial information, amino acid conservation, physicochemical variation, residue mobility, and thermodynamic stability) performed at Invitae indicates that this missense variant is not expected to disrupt SMCHD1 protein function with a negative predictive value of 80%. In summary, the available evidence is currently insufficient to determine the role of this variant in disease. Therefore, it has been classified as a Variant of Uncertain Significance.